The following is an entry in ClinVar:

ClinVar aggregate classification (germline): Uncertain significance. Review status: criteria provided, multiple submitters, no conflicts (2 of 4 stars). 2 submissions from 2 submitters: Uncertain significance (2). Last evaluated 2024-03-06.

Conditions:
Familial thoracic aortic aneurysm and aortic dissection (TAAD). Also called: Thoracic aortic aneurysms and dissections. Identifiers: Orphanet 91387, MedGen C4707243, MONDO:0019625.
Shprintzen-Goldberg syndrome (SGS). Also called: SHPRINTZEN-GOLDBERG CRANIOSYNOSTOSIS SYNDROME; CRANIOSYNOSTOSIS WITH ARACHNODACTYLY AND ABDOMINAL HERNIAS; Marfanoid disorder with craniosynostosis type 1; Marfanoid craniosynostosis syndrome; Shprintzen-Goldberg marfanoid syndrome. Identifiers: Orphanet 2462, MedGen C1321551, MONDO:0008426, OMIM 182212.

Allele frequency attached by ClinVar (database versions not stated): gnomAD 0.00001; gnomAD exomes below 0.00001; TOPMed below 0.00001.

Submissions (2):

Labcorp Genetics (formerly Invitae), Labcorp
Classification: Uncertain significance for Shprintzen-Goldberg syndrome. Last evaluated: 2024-03-06. Review status: criteria provided, single submitter. Criteria: Invitae Variant Classification Sherloc (09022015). Collection method: clinical testing. Allele origin: germline.
Comment: This sequence change replaces glutamic acid, which is acidic and polar, with lysine, which is basic and polar, at codon 309 of the SKI protein (p.Glu309Lys). This variant is not present in population databases (gnomAD no frequency). This variant has not been reported in the literature in individuals affected with SKI-related conditions. ClinVar contains an entry for this variant (Variation ID: 532221). Advanced modeling of protein sequence and biophysical properties (such as structural, functional, and spatial information, amino acid conservation, physicochemical variation, residue mobility, and thermodynamic stability) performed at Invitae indicates that this missense variant is expected to disrupt SKI protein function with a positive predictive value of 95%. In summary, the available evidence is currently insufficient to determine the role of this variant in disease. Therefore, it has been classified as a Variant of Uncertain Significance.

Ambry Genetics
Classification: Uncertain significance for Familial thoracic aortic aneurysm and aortic dissection. Last evaluated: 2020-07-07. Review status: criteria provided, single submitter. Criteria: Ambry Variant Classification Scheme 2023. Collection method: clinical testing. Allele origin: germline.
Comment: The p.E309K variant (also known as c.925G>A), located in coding exon 1 of the SKI gene, results from a G to A substitution at nucleotide position 925. The glutamic acid at codon 309 is replaced by lysine, an amino acid with similar properties. This amino acid position is well conserved in available vertebrate species. In addition, the in silico prediction for this alteration is inconclusive. Since supporting evidence is limited at this time, the clinical significance of this alteration remains unclear.

NM_003036.4(SKI):c.925G>A (p.Glu309Lys)

Gene: SKI (SKI proto-oncogene; plus strand). Cytogenetic location: 1p36.33.
Variant type: single nucleotide variant.
Coding change: c.925G>A on transcript NM_003036.4 (MANE Select); coding-DNA position 925, G replaced by A.
Protein change: p.Glu309Lys; replaces glutamic acid 309 with lysine.
Molecular consequence: missense variant.
Genome position (GRCh38, 1-based): chr1:2,229,691, G>A. VCF-style: chr1-2229691-G-A. GRCh37 (hg19) VCF-style: chr1-2161130-G-A.
Other names: short protein forms E309K.
Identifiers: ClinVar variation 532221 (VCV000532221.10), dbSNP rs1553190080, ClinGen allele CA337956456.